The following is an entry in ClinVar:

ClinVar aggregate classification (germline): Benign/Likely benign. Review status: criteria provided, multiple submitters, no conflicts (2 of 4 stars). 3 submissions from 3 submitters: Benign (2); Likely benign (1). Last evaluated 2026-08-13.

Conditions:
Hydrocephalus, nonsyndromic, autosomal recessive 2. Also called: Hydrocephalus, congenital, 2, with or without brain or eye anomalies. Identifiers: Orphanet 2185, MedGen C3554691, MONDO:0014085, OMIM 615219.
MPDZ-related disorder. Also called: MPDZ-related condition.

Allele frequency attached by ClinVar (database versions not stated): gnomAD exomes 0.00045 and 0.00123; ExAC 0.00151; 1000 Genomes Project 30x 0.00312; 1000 Genomes Project 0.00319; gnomAD 0.00470 and 0.00527; TOPMed 0.00513; ESP Exome Variant Server 0.00542.
gnomAD v4.1: 1,387 of 1,613,532 alleles (0.086%); highest among the groups gnomAD compares: African/African-American, 1.6%; 8 homozygotes.

Submissions (3):

PreventionGenetics, part of Exact Sciences
Classification: Benign for MPDZ-related condition. Last evaluated: 2026-08-13. Review status: criteria provided, single submitter. Criteria: ACMG Guidelines, 2015. Collection method: clinical testing. Allele origin: germline.
Comment: This variant is classified as benign based on ACMG/AMP sequence variant interpretation guidelines (Richards et al. 2015 PMID: 25741868, with internal and published modifications).

Labcorp Genetics (formerly Invitae), Labcorp
Classification: Benign. Last evaluated: 2026-01-21. Review status: criteria provided, single submitter. Criteria: Invitae Variant Classification Sherloc (09022015). Collection method: clinical testing. Allele origin: germline.

Fulgent Genetics
Classification: Likely benign for Hydrocephalus, nonsyndromic, autosomal recessive 2. Last evaluated: 2022-04-22. Review status: criteria provided, single submitter. Criteria: ACMG Guidelines, 2015. Collection method: clinical testing. Allele origin: unknown.

NM_001378778.1(MPDZ):c.6176G>A (p.Arg2059Gln)

Gene: MPDZ (multiple PDZ domain crumbs cell polarity complex component; minus strand). Cytogenetic location: 9p23.
Variant type: single nucleotide variant.
Coding change: c.6176G>A on transcript NM_001378778.1 (MANE Select); coding-DNA position 6176, G replaced by A.
Protein change: p.Arg2059Gln; replaces arginine 2059 with glutamine.
Molecular consequence: missense variant.
Genome position (GRCh38, 1-based): chr9:13,107,002, C>T on the plus strand (G>A on the coding strand, the complement: MPDZ is on the minus strand). VCF-style: chr9-13107002-C-T. GRCh37 (hg19) VCF-style: chr9-13107001-C-T.
Other names: c.6077G>A, p.Arg2026Gln (NM_001261406.2, NM_001375416.1, NM_001375417.1 and 1 more transcripts); c.5990G>A, p.Arg1997Gln (NM_001261407.2, NM_001375419.1); c.6176G>A, p.Arg2059Gln (NM_001330637.2); c.6275G>A, p.Arg2092Gln (NM_001375413.1); c.5966G>A, p.Arg1989Gln (NM_001375420.1, NM_001375421.1, NM_001375422.1 and 2 more transcripts); c.5879G>A, p.Arg1960Gln (NM_001375425.1, NM_001375426.1); c.5768G>A, p.Arg1923Gln (NM_001375427.1); c.6089G>A, p.Arg2030Gln (NM_003829.5); short protein forms R2026Q, R1923Q, R1989Q, R1997Q, R1960Q, R2030Q, R2059Q, R2092Q.
Identifiers: ClinVar variation 791296 (VCV000791296.15), dbSNP rs193280665, ClinGen allele CA4985932.